The following is an entry in ClinVar:

NM_020921.4(NIN):c.5699C>T (p.Pro1900Leu)

Gene: NIN (ninein; minus strand). Cytogenetic location: 14q22.1.
Variant type: single nucleotide variant.
Coding change: c.5699C>T on transcript NM_020921.4 (MANE Select); coding-DNA position 5699, C replaced by T.
Protein change: p.Pro1900Leu; replaces proline 1900 with leucine.
Molecular consequence: missense variant.
Genome position (GRCh38, 1-based): chr14:50,738,216, G>A on the plus strand (C>T on the coding strand, the complement: NIN is on the minus strand). VCF-style: chr14-50738216-G-A. GRCh37 (hg19) VCF-style: chr14-51204934-G-A.
Other names: c.3560C>T, p.Pro1187Leu (NM_016350.5); c.5699C>T, p.Pro1900Leu (NM_182944.3, NM_182946.2); short protein forms P1187L, P1900L.
Identifiers: ClinVar variation 3675940 (VCV003675940.2).

ClinVar aggregate classification (germline): Uncertain significance (1 of 4 stars; one submission).

gnomAD v4.1: 3 of 1,613,904 alleles (0.00019%); highest among the groups gnomAD compares: Non-Finnish European, 0.00025%; no homozygotes.

Submission:

Labcorp Genetics (formerly Invitae), Labcorp
Classification: Uncertain significance. Last evaluated: 2024-04-09. Review status: criteria provided, single submitter. Criteria: Invitae Variant Classification Sherloc (09022015). Collection method: clinical testing. Allele origin: germline.
Comment: This sequence change replaces proline, which is neutral and non-polar, with leucine, which is neutral and non-polar, at codon 1900 of the NIN protein (p.Pro1900Leu). This variant is present in population databases (no rsID available, gnomAD 0.002%). This variant has not been reported in the literature in individuals affected with NIN-related conditions. Algorithms developed to predict the effect of missense changes on protein structure and function output the following: SIFT: "Not Available"; PolyPhen-2: "Benign"; Align-GVGD: "Not Available". The leucine amino acid residue is found in multiple mammalian species, which suggests that this missense change does not adversely affect protein function. In summary, the available evidence is currently insufficient to determine the role of this variant in disease. Therefore, it has been classified as a Variant of Uncertain Significance.